The following is an entry in ClinVar:

NM_003002.4(SDHD):c.55C>G (p.Leu19Val)

Gene: SDHD (succinate dehydrogenase complex subunit D; plus strand). Cytogenetic location: 11q23.1.
Variant type: single nucleotide variant.
Coding change: c.55C>G on transcript NM_003002.4 (MANE Select); coding-DNA position 55, C replaced by G.
Protein change: p.Leu19Val; replaces leucine 19 with valine.
Molecular consequence: missense variant. On other transcripts: non-coding transcript variant (1), intron variant (1).
Genome position (GRCh38, 1-based): chr11:112,087,859, C>G. VCF-style: chr11-112087859-C-G. GRCh37 (hg19) VCF-style: chr11-111958583-C-G.
Other names: c.55C>G, p.Leu19Val (NM_001276503.2, NM_001276506.2); c.52+900C>G (NM_001276504.2); short protein forms L19V.
Identifiers: ClinVar variation 4790070 (VCV004790070.1).

ClinVar aggregate classification (germline): Uncertain significance (1 of 4 stars; one submission).

Conditions:
Pheochromocytoma. Also called: MAX-Related Hereditary Paraganglioma-Pheochromocytoma Syndrome. Identifiers: Orphanet 29072, MedGen C0031511, MONDO:0008233, OMIM 171300, HP:0002666.
Paragangliomas with sensorineural hearing loss. Identifiers: MedGen C1868633.
Carney-Stratakis syndrome. Also called: PARAGANGLIOMA AND GASTROINTESTINAL STROMAL TUMOR. Identifiers: Orphanet 97286, MedGen C1847319, MONDO:0011740, OMIM 606864.
Cowden syndrome 3 (CWS3). Identifiers: Orphanet 201, MedGen CN166604, MONDO:0014045.

gnomAD v4.1: 1 of 1,605,576 alleles (0.000062%); highest among the groups gnomAD compares: Non-Finnish European, 0.000085%; no homozygotes.

Submission:

Labcorp Genetics (formerly Invitae), Labcorp
Classification: Uncertain significance for Carney-Stratakis syndrome; Paragangliomas with sensorineural hearing loss; Pheochromocytoma; Cowden syndrome 3. Last evaluated: 2025-09-24. Review status: criteria provided, single submitter. Criteria: Invitae Variant Classification Sherloc (09022015). Collection method: clinical testing. Allele origin: germline.
Comment: This sequence change replaces leucine, which is neutral and non-polar, with valine, which is neutral and non-polar, at codon 19 of the SDHD protein (p.Leu19Val). This variant is not present in population databases (gnomAD no frequency). This variant has not been reported in the literature in individuals affected with SDHD-related conditions. Invitae Evidence Modeling of protein sequence and biophysical properties (such as structural, functional, and spatial information, amino acid conservation, physicochemical variation, residue mobility, and thermodynamic stability) indicates that this missense variant is not expected to disrupt SDHD protein function with a negative predictive value of 80%. In summary, the available evidence is currently insufficient to determine the role of this variant in disease. Therefore, it has been classified as a Variant of Uncertain Significance.